The following is an entry in ClinVar:

NM_001009944.3(PKD1):c.3745G>A (p.Asp1249Asn)

Gene: PKD1 (polycystin 1, transient receptor potential channel interacting; minus strand). Cytogenetic location: 16p13.3.
Variant type: single nucleotide variant.
Coding change: c.3745G>A on transcript NM_001009944.3 (MANE Select); coding-DNA position 3745, G replaced by A.
Protein change: p.Asp1249Asn; replaces aspartic acid 1249 with asparagine.
Molecular consequence: missense variant.
Genome position (GRCh38, 1-based): chr16:2,111,422, C>T on the plus strand (G>A on the coding strand, the complement: PKD1 is on the minus strand). VCF-style: chr16-2111422-C-T. GRCh37 (hg19) VCF-style: chr16-2161423-C-T.
Other names: c.3745G>A, p.Asp1249Asn (NM_000296.4); short protein forms D1249N.
Identifiers: ClinVar variation 3236759 (VCV003236759.2), dbSNP rs2544828142.

ClinVar aggregate classification (germline): Uncertain significance. Review status: criteria provided, multiple submitters, no conflicts (2 of 4 stars). 2 submissions from 2 submitters: Uncertain significance (2). Last evaluated 2024-02-07.

Conditions:
Polycystic kidney disease, adult type (PKD1). Also called: Polycystic Kidney Disease 1, Autosomal Dominant; Polycystic kidney disease 1; Polycystic kidney disease 1, severe; Polycystic Kidney, Autosomal Dominant; POLYCYSTIC KIDNEY DISEASE 1 WITH OR WITHOUT POLYCYSTIC LIVER DISEASE; POLYCYSTIC KIDNEY DISEASE, ADULT, TYPE I. Identifiers: MedGen C3149841, MONDO:0008263, OMIM 173900.

Submissions (2):

Fulgent Genetics
Classification: Uncertain significance for Polycystic kidney disease, adult type. Last evaluated: 2024-02-07. Review status: criteria provided, single submitter. Criteria: ACMG Guidelines, 2015. Collection method: clinical testing. Allele origin: germline.

MVZ Medizinische Genetik Mainz
Classification: Uncertain significance for Polycystic kidney disease, adult type. Last evaluated: 2022-10-14. Review status: criteria provided, single submitter. Criteria: UK Practice Guidelines For Variant Classification V4 01 2020. Collection method: clinical testing. Allele origin: germline. Inheritance: Autosomal dominant inheritance. Affected: yes. Observed: 1 variant allele.
Comment: ACMG Criteria: PM2_SUP, PP3, PP4 (ACMG Version 4)